The following is an entry in ClinVar:

ClinVar aggregate classification (germline): Uncertain significance (1 of 4 stars; one submission).

Conditions:
LOXL3-related disorder. Also called: LOXL3-related condition.

Submission:

PreventionGenetics, part of Exact Sciences
Classification: Uncertain significance for LOXL3-related condition. Last evaluated: 2022-08-29. Review status: criteria provided, single submitter. Criteria: ACMG Guidelines, 2015. Collection method: clinical testing. Allele origin: germline.
Comment: The LOXL3 c.1760T>A variant is predicted to result in the amino acid substitution p.Leu587Gln. To our knowledge, this variant has not been reported in the literature or in a large population database, indicating this variant is rare. At this time, the clinical significance of this variant is uncertain due to the absence of conclusive functional and genetic evidence.

NM_032603.5(LOXL3):c.1760T>A (p.Leu587Gln)

Gene: LOXL3 (lysyl oxidase like 3; minus strand). Cytogenetic location: 2p13.1.
Variant type: single nucleotide variant.
Coding change: c.1760T>A on transcript NM_032603.5 (MANE Select); coding-DNA position 1760, T replaced by A.
Protein change: p.Leu587Gln; replaces leucine 587 with glutamine.
Molecular consequence: missense variant.
Genome position (GRCh38, 1-based): chr2:74,534,594, A>T on the plus strand (T>A on the coding strand, the complement: LOXL3 is on the minus strand). VCF-style: chr2-74534594-A-T. GRCh37 (hg19) VCF-style: chr2-74761721-A-T.
Other names: c.1325T>A, p.Leu442Gln (NM_001289164.3); c.677T>A, p.Leu226Gln (NM_001289165.2); short protein forms L226Q, L442Q, L587Q.
Identifiers: ClinVar variation 2636504 (VCV002636504.1), dbSNP rs2529928278, ClinGen allele CA347385806.